The following is an entry in ClinVar:

NM_001267550.2(TTN):c.55393G>T (p.Ala18465Ser)

Genes: TTN (titin; minus strand), TTN-AS1 (TTN antisense RNA 1; plus strand). Cytogenetic location: 2q31.2.
Variant type: single nucleotide variant.
Coding change: c.55393G>T on transcript NM_001267550.2 (MANE Select); coding-DNA position 55393, G replaced by T.
Protein change: p.Ala18465Ser; replaces alanine 18465 with serine.
Molecular consequence: missense variant.
Genome position (GRCh38, 1-based): chr2:178,601,697, C>A on the plus strand (G>T on the coding strand, the complement: TTN is on the minus strand). VCF-style: chr2-178601697-C-A. GRCh37 (hg19) VCF-style: chr2-179466424-C-A.
Other names: c.50470G>T, p.Ala16824Ser (NM_001256850.1); c.28198G>T, p.Ala9400Ser (NM_003319.4); c.47689G>T, p.Ala15897Ser (NM_133378.4); c.28573G>T, p.Ala9525Ser (NM_133432.3); c.28774G>T, p.Ala9592Ser (NM_133437.4); short protein forms A15897S, A18465S, A9400S, A16824S, A9525S, A9592S.
Identifiers: ClinVar variation 501451 (VCV000501451.10), dbSNP rs899078606, ClinGen allele CA60978053.

ClinVar aggregate classification (germline): Uncertain significance. Review status: criteria provided, multiple submitters, no conflicts (2 of 4 stars). 7 submissions from 7 submitters: Uncertain significance (3). 4 of the submissions do not count toward it. Last evaluated 2025-07-30.

Conditions:
Autosomal recessive limb-girdle muscular dystrophy type 2J (LGMDR10). Also called: MUSCULAR DYSTROPHY, LIMB-GIRDLE, AUTOSOMAL RECESSIVE 10; Limb-girdle muscular dystrophy, type 2J. Identifiers: Orphanet 140922, MedGen C1837342, MONDO:0012127, OMIM 608807.
Hypertrophic cardiomyopathy 9. Also called: Familial hypertrophic cardiomyopathy 9. Identifiers: MedGen C1861065, MONDO:0013412, OMIM 613765.
Tibial muscular dystrophy (TMD). Also called: Udd Distal Myopathy – Tibial Muscular Dystrophy; Tibial muscular dystrophy, tardive; UDD MYOPATHY. Identifiers: Orphanet 609, MedGen C1838244, MONDO:0010870, OMIM 600334.
Dilated cardiomyopathy 1G (CMD1G). Identifiers: Orphanet 154, MedGen C1858763, MONDO:0011400, OMIM 604145.
Early-onset myopathy with fatal cardiomyopathy (CMYO5). Also called: Salih Myopathy; CONGENITAL MYOPATHY 5 WITH CARDIOMYOPATHY. Identifiers: Orphanet 289377, MedGen C2673677, MONDO:0012714, OMIM 611705. Disease mechanism: loss of function.
Myopathy, myofibrillar, 9, with early respiratory failure (MFM9). Also called: MYOPATHY, PROXIMAL, WITH EARLY RESPIRATORY MUSCLE INVOLVEMENT; Myopathy, distal, with early respiratory failure, autosomal dominant; Hereditary myopathy with early respiratory failure; EDSTROM MYOPATHY. Identifiers: Orphanet 178464, Orphanet 34521, MedGen C1863599, MONDO:0011362, OMIM 603689.

Allele frequency attached by ClinVar (database versions not stated): TOPMed 0.00002.
gnomAD v4.1: 48 of 1,608,384 alleles (0.003%); highest among the groups gnomAD compares: Non-Finnish European, 0.004%; no homozygotes.

Submissions (7):

Women's Health and Genetics/Laboratory Corporation of America, LabCorp
Classification: Uncertain significance. Last evaluated: 2025-07-30. Review status: criteria provided, single submitter. Criteria: LabCorp Variant Classification Summary - May 2015. Collection method: clinical testing. Allele origin: germline.
Comment: Variant summary: TTN c.47689G>T (p.Ala15897Ser) results in a conservative amino acid change in the encoded protein sequence. Algorithms developed to predict the effect of missense changes on protein structure and function are either unavailable or do not agree on the potential impact of this missense change. The variant allele was found at a frequency of 2.1e-05 in 243806 control chromosomes. The available data on variant occurrences in the general population are insufficient to allow any conclusion about variant significance. c.47689G>T has been observed in an individual affected with dilated cardiomyopathy without strong evidence for causality (e.g. Mazzarotto_2020). These report(s) do not provide unequivocal conclusions about association of the variant with Autosomal Recessive Titinopathy. To our knowledge, no experimental evidence demonstrating an impact on protein function has been reported. The following publication has been ascertained in the context of this evaluation (PMID: 31983221). ClinVar contains an entry for this variant (Variation ID: 501451). Based on the evidence outlined above, the variant was classified as uncertain significance.

Fulgent Genetics
Classification: Uncertain significance for Tibial muscular dystrophy; Myopathy, myofibrillar, 9, with early respiratory failure; Dilated cardiomyopathy 1G; Autosomal recessive limb-girdle muscular dystrophy type 2J; Early-onset myopathy with fatal cardiomyopathy; Hypertrophic cardiomyopathy 9. Last evaluated: 2021-08-04. Review status: criteria provided, single submitter. Criteria: ACMG Guidelines, 2015. Collection method: clinical testing. Allele origin: unknown.

Eurofins Ntd Llc (ga)
Classification: Uncertain significance. Last evaluated: 2017-04-14. Review status: criteria provided, single submitter. Criteria: EGL Classification Definitions 2015. Collection method: clinical testing. Allele origin: germline. Observed: 1 variant allele, 1 heterozygote.

Clinical Genetics DNA and cytogenetics Diagnostics Lab, Erasmus MC, Erasmus Medical Center
Classification: Uncertain significance. Review status: no assertion criteria provided. Collection method: clinical testing. Allele origin: germline. Affected: yes. Study: VKGL Data-share Consensus. Not counted in ClinVar's aggregate classification.

Clinical Genetics, Academic Medical Center
Classification: Uncertain significance. Review status: no assertion criteria provided. Collection method: clinical testing. Allele origin: germline. Affected: yes. Study: VKGL Data-share Consensus. Not counted in ClinVar's aggregate classification.

Diagnostic Laboratory, Department of Genetics, University Medical Center Groningen
Classification: Uncertain significance. Review status: no assertion criteria provided. Collection method: clinical testing. Allele origin: germline. Affected: yes. Study: VKGL Data-share Consensus. Not counted in ClinVar's aggregate classification.

Genome Diagnostics Laboratory, University Medical Center Utrecht
Classification: Uncertain significance. Review status: no assertion criteria provided. Collection method: clinical testing. Allele origin: germline. Affected: yes. Study: VKGL Data-share Consensus. Not counted in ClinVar's aggregate classification.

Literature cited by the submitters: PubMed 31983221 (cited by Women's Health and Genetics/Laboratory Corporation of America, LabCorp).